The following is an entry in ClinVar:

NM_033004.4(NLRP1):c.1174C>A (p.Pro392Thr)

Gene: NLRP1 (NLR family pyrin domain containing 1; minus strand). Cytogenetic location: 17p13.2.
Variant type: single nucleotide variant.
Coding change: c.1174C>A on transcript NM_033004.4 (MANE Select); coding-DNA position 1174, C replaced by A.
Protein change: p.Pro392Thr; replaces proline 392 with threonine.
Molecular consequence: missense variant.
Genome position (GRCh38, 1-based): chr17:5,559,522, G>T on the plus strand (C>A on the coding strand, the complement: NLRP1 is on the minus strand). VCF-style: chr17-5559522-G-T. GRCh37 (hg19) VCF-style: chr17-5462842-G-T.
Other names: c.1174C>A, p.Pro392Thr (NM_001033053.3, NM_014922.5, NM_033006.4 and 1 more transcripts); short protein forms P392T.
Identifiers: ClinVar variation 3697822 (VCV003697822.2).

ClinVar aggregate classification (germline): Uncertain significance (1 of 4 stars; one submission).

Submission:

Labcorp Genetics (formerly Invitae), Labcorp
Classification: Uncertain significance. Last evaluated: 2024-02-11. Review status: criteria provided, single submitter. Criteria: Invitae Variant Classification Sherloc (09022015). Collection method: clinical testing. Allele origin: germline.
Comment: This sequence change replaces proline, which is neutral and non-polar, with threonine, which is neutral and polar, at codon 392 of the NLRP1 protein (p.Pro392Thr). This variant is not present in population databases (gnomAD no frequency). This variant has not been reported in the literature in individuals affected with NLRP1-related conditions. Algorithms developed to predict the effect of missense changes on protein structure and function output the following: SIFT: "Not Available"; PolyPhen-2: "Benign"; Align-GVGD: "Not Available". The threonine amino acid residue is found in multiple mammalian species, which suggests that this missense change does not adversely affect protein function. In summary, the available evidence is currently insufficient to determine the role of this variant in disease. Therefore, it has been classified as a Variant of Uncertain Significance.